The following is an entry in ClinVar:

NM_013382.7(POMT2):c.1627C>G (p.Leu543Val)

Gene: POMT2 (protein O-mannosyltransferase 2; minus strand). Cytogenetic location: 14q24.3.
Variant type: single nucleotide variant.
Coding change: c.1627C>G on transcript NM_013382.7 (MANE Select); coding-DNA position 1627, C replaced by G.
Protein change: p.Leu543Val; replaces leucine 543 with valine.
Molecular consequence: missense variant.
Genome position (GRCh38, 1-based): chr14:77,283,823, G>C on the plus strand (C>G on the coding strand, the complement: POMT2 is on the minus strand). VCF-style: chr14-77283823-G-C. GRCh37 (hg19) VCF-style: chr14-77750166-G-C.
Other names: short protein forms L543V.
Identifiers: ClinVar variation 1918366 (VCV001918366.5), dbSNP rs367552151, ClinGen allele CA390516244.

ClinVar aggregate classification (germline): Uncertain significance (1 of 4 stars; one submission).

Conditions:
Autosomal recessive limb-girdle muscular dystrophy type 2N. Also called: MUSCULAR DYSTROPHY-DYSTROGLYCANOPATHY, LIMB-GIRDLE, POMT2-RELATED; Muscular dystrophy-dystroglycanopathy (limb-girdle), type C, 2. Identifiers: Orphanet 206559, MedGen C3150418, MONDO:0013162, OMIM 613158.
Muscular dystrophy-dystroglycanopathy (congenital with brain and eye anomalies), type A2. Also called: MUSCULAR DYSTROPHY-DYSTROGLYCANOPATHY (CONGENITAL WITH BRAIN AND EYE ANOMALIES), TYPE A, 2; WALKER-WARBURG SYNDROME OR MUSCLE-EYE-BRAIN DISEASE, POMT2-RELATED. Identifiers: Orphanet 588, Orphanet 899, MedGen C3150411, MONDO:0013154, OMIM 613150.
Muscular dystrophy-dystroglycanopathy (congenital with impaired intellectual development), type B, 2. Also called: MUSCULAR DYSTROPHY, CONGENITAL, POMT2-RELATED; Muscular dystrophy-dystroglycanopathy (congenital with intellectual disability), type B2. Identifiers: MedGen C3150416, MONDO:0013160, OMIM 613156.

Submission:

Labcorp Genetics (formerly Invitae), Labcorp
Classification: Uncertain significance for Muscular dystrophy-dystroglycanopathy (congenital with impaired intellectual development), type B, 2; Muscular dystrophy-dystroglycanopathy (congenital with brain and eye anomalies), type A2; Autosomal recessive limb-girdle muscular dystrophy type 2N. Last evaluated: 2023-12-11. Review status: criteria provided, single submitter. Criteria: Invitae Variant Classification Sherloc (09022015). Collection method: clinical testing. Allele origin: germline.
Comment: This sequence change replaces leucine, which is neutral and non-polar, with valine, which is neutral and non-polar, at codon 543 of the POMT2 protein (p.Leu543Val). This variant is not present in population databases (gnomAD no frequency). This variant has not been reported in the literature in individuals affected with POMT2-related conditions. ClinVar contains an entry for this variant (Variation ID: 1918366). Advanced modeling of protein sequence and biophysical properties (such as structural, functional, and spatial information, amino acid conservation, physicochemical variation, residue mobility, and thermodynamic stability) performed at Invitae indicates that this missense variant is not expected to disrupt POMT2 protein function with a negative predictive value of 95%. In summary, the available evidence is currently insufficient to determine the role of this variant in disease. Therefore, it has been classified as a Variant of Uncertain Significance.